The following is an entry in ClinVar:

ClinVar aggregate classification (germline): Uncertain significance (1 of 4 stars; one submission).

gnomAD v4.1: 4 of 1,613,088 alleles (0.00025%); highest among the groups gnomAD compares: Non-Finnish European, 0.00025%; no homozygotes.

Submission:

GeneDx
Classification: Uncertain significance. Last evaluated: 2023-11-30. Review status: criteria provided, single submitter. Criteria: GeneDx Variant Classification Process June 2021. Collection method: clinical testing. Allele origin: germline. Affected: yes.
Comment: Not observed at significant frequency in large population cohorts (gnomAD); In silico analysis supports that this missense variant has a deleterious effect on protein structure/function; Has not been previously published as pathogenic or benign to our knowledge

NM_001297595.2(SIN3B):c.2845C>T (p.Pro949Ser)

Gene: SIN3B (SIN3 transcription regulator family member B; plus strand). Cytogenetic location: 19p13.11.
Variant type: single nucleotide variant.
Coding change: c.2845C>T on transcript NM_001297595.2 (MANE Select); coding-DNA position 2845, C replaced by T.
Protein change: p.Pro949Ser; replaces proline 949 with serine.
Molecular consequence: missense variant.
Genome position (GRCh38, 1-based): chr19:16,876,564, C>T. VCF-style: chr19-16876564-C-T. GRCh37 (hg19) VCF-style: chr19-16987375-C-T.
Other names: c.1615C>T, p.Pro539Ser (NM_001297597.2); c.2941C>T, p.Pro981Ser (NM_015260.4); short protein forms P539S, P949S, P981S.
Identifiers: ClinVar variation 3365068 (VCV003365068.1).